The following is an entry in ClinVar:

NM_015166.4(MLC1):c.772-1G>C

Gene: MLC1 (modulator of VRAC current 1; minus strand). Cytogenetic location: 22q13.33.
Variant type: single nucleotide variant.
Coding change: c.772-1G>C on transcript NM_015166.4 (MANE Select); the canonical splice acceptor site of the intron before coding-DNA position 772, G replaced by C.
Molecular consequence: splice acceptor variant.
Genome position (GRCh38, 1-based): chr22:50,068,556, C>G on the plus strand (G>C on the coding strand, the complement: MLC1 is on the minus strand). VCF-style: chr22-50068556-C-G. GRCh37 (hg19) VCF-style: chr22-50506985-C-G.
Other names: c.772-1G>C (NM_001376474.1, NM_001376475.1, NM_001376476.1 and 6 more transcripts); c.535-1G>C (NM_001376484.1); c.682-1G>C (NM_001376480.1); c.616-1G>C (NM_001376482.1, NM_001376483.1); c.670-1G>C (NM_001376481.1); c.715-1G>C (NM_001376479.1).
Identifiers: ClinVar variation 2676575 (VCV002676575.3), dbSNP rs2518488789, ClinGen allele CA412107882.

ClinVar aggregate classification (germline): Pathogenic (1 of 4 stars; one submission).

Conditions:
Megalencephalic leukoencephalopathy with subcortical cysts. Also called: VAN DER KNAAP DISEASE. Identifiers: Orphanet 2478, MedGen C1858854, MONDO:0011391.

Submission:

Natera, Inc.
Classification: Pathogenic for Megalencephalic leukoencephalopathy with subcortical cysts. Last evaluated: 2025-01-04. Review status: criteria provided, single submitter. Criteria: Natera Variant Classification Schema (03/2026). Collection method: clinical testing. Allele origin: germline.
Comment: The c.772-1G>C variant in MLC1 is a canonical splice acceptor site variant predicted to affect pre-mRNA splicing, which may result in an abnormal transcript and altered protein product. This variant is expected to result in nonsense mediated decay, truncation, or a dysfunctional protein product. This variant is rare in the general population with a frequency below the threshold expected for the associated phenotype(s). This variant has been observed in one or more individuals affected with the associated recessive disease, as either homozygous or compound heterozygous with a second variant (PMID: 21160490, 27322623). Given the available evidence, this variant is classified as Pathogenic.

Literature cited by the submitters: PubMed 21160490; PubMed 27322623.